The following is an entry in ClinVar:

NM_017780.4(CHD7):c.6116T>G (p.Leu2039Arg)

Gene: CHD7 (chromodomain helicase DNA binding protein 7; plus strand). Cytogenetic location: 8q12.2.
Variant type: single nucleotide variant.
Coding change: c.6116T>G on transcript NM_017780.4 (MANE Select); coding-DNA position 6116, T replaced by G.
Protein change: p.Leu2039Arg; replaces leucine 2039 with arginine.
Molecular consequence: missense variant. On other transcripts: intron variant (1).
Genome position (GRCh38, 1-based): chr8:60,852,841, T>G. VCF-style: chr8-60852841-T-G. GRCh37 (hg19) VCF-style: chr8-61765400-T-G.
Other names: c.1717-9388T>G (NM_001316690.1); short protein forms L2039R.
Identifiers: ClinVar variation 1700917 (VCV001700917.2), dbSNP rs2150809452, ClinGen allele CA371324242.

ClinVar aggregate classification (germline): Uncertain significance (1 of 4 stars; one submission).

Submission:

GeneDx
Classification: Uncertain significance. Last evaluated: 2022-02-09. Review status: criteria provided, single submitter. Criteria: GeneDx Variant Classification Process June 2021. Collection method: clinical testing. Allele origin: germline. Affected: yes.
Comment: Not observed at significant frequency in large population cohorts (gnomAD); In silico analysis supports that this missense variant does not alter protein structure/function; Has not been previously published as pathogenic or benign to our knowledge